The following is an entry in ClinVar:

NM_000548.5(TSC2):c.5225C>G (p.Ala1742Gly)

Gene: TSC2 (TSC complex subunit 2; plus strand). Cytogenetic location: 16p13.3.
Variant type: single nucleotide variant.
Coding change: c.5225C>G on transcript NM_000548.5 (MANE Select); coding-DNA position 5225, C replaced by G.
Protein change: p.Ala1742Gly; replaces alanine 1742 with glycine.
Molecular consequence: missense variant. On other transcripts: non-coding transcript variant (5).
Genome position (GRCh38, 1-based): chr16:2,088,291, C>G. VCF-style: chr16-2088291-C-G. GRCh37 (hg19) VCF-style: chr16-2138292-C-G.
Other names: c.5024C>G, p.Ala1675Gly (NM_001077183.3); c.5156C>G, p.Ala1719Gly (NM_001114382.3); c.4916C>G, p.Ala1639Gly (NM_001318827.2); c.4880C>G, p.Ala1627Gly (NM_001318829.2); c.4493C>G, p.Ala1498Gly (NM_001318831.2); c.5057C>G, p.Ala1686Gly (NM_001318832.2); c.5027C>G, p.Ala1676Gly (NM_001363528.2); c.5093C>G, p.Ala1698Gly (NM_001370404.1); and 27 more; short protein forms A1228G, A1518G, A1519G, A1542G, A1670G, A1682G, A1695G, A1698G.
Identifiers: ClinVar variation 2847716 (VCV002847716.4), dbSNP rs1369101862, ClinGen allele CA394314523.

ClinVar aggregate classification (germline): Uncertain significance. Review status: criteria provided, multiple submitters, no conflicts (2 of 4 stars). 2 submissions from 2 submitters: Uncertain significance (2). Last evaluated 2025-12-24.

Conditions:
Tuberous sclerosis 2 (TSC2). Identifiers: Orphanet 805, MedGen C1860707, MONDO:0013199, OMIM 613254.
Hereditary cancer-predisposing syndrome. Also called: Hereditary Cancer Syndrome; Hereditary neoplastic syndrome; Neoplastic Syndromes, Hereditary; Tumor predisposition. Identifiers: Orphanet 140162, MedGen C0027672, MeSH D009386, MONDO:0015356.

Submissions (2):

Labcorp Genetics (formerly Invitae), Labcorp
Classification: Uncertain significance for Tuberous sclerosis 2. Last evaluated: 2025-12-24. Review status: criteria provided, single submitter. Criteria: Invitae Variant Classification Sherloc (09022015). Collection method: clinical testing. Allele origin: germline.
Comment: This sequence change replaces alanine, which is neutral and non-polar, with glycine, which is neutral and non-polar, at codon 1742 of the TSC2 protein (p.Ala1742Gly). This variant is not present in population databases (gnomAD no frequency). This variant has not been reported in the literature in individuals affected with TSC2-related conditions. ClinVar contains an entry for this variant (Variation ID: 2847716). Invitae Evidence Modeling of protein sequence and biophysical properties (such as structural, functional, and spatial information, amino acid conservation, physicochemical variation, residue mobility, and thermodynamic stability) indicates that this missense variant is not expected to disrupt TSC2 protein function with a negative predictive value of 95%. In summary, the available evidence is currently insufficient to determine the role of this variant in disease. Therefore, it has been classified as a Variant of Uncertain Significance.

Ambry Genetics
Classification: Uncertain significance for Hereditary cancer-predisposing syndrome. Last evaluated: 2025-09-01. Review status: criteria provided, single submitter. Criteria: Ambry Variant Classification Scheme 2023. Collection method: clinical testing. Allele origin: germline.
Comment: The p.A1742G variant (also known as c.5225C>G), located in coding exon 40 of the TSC2 gene, results from a C to G substitution at nucleotide position 5225. The alanine at codon 1742 is replaced by glycine, an amino acid with similar properties. This amino acid position is conserved. In addition, this alteration is predicted to be deleterious by in silico analysis. Based on the available evidence, the clinical significance of this variant remains unclear.